The following is an entry in ClinVar:

NM_001195263.2(PDZD7):c.2796_2798del (p.Arg933del)

Gene: PDZD7 (PDZ domain containing 7; minus strand). Cytogenetic location: 10q24.31.
Variant type: Deletion.
Coding change: c.2796_2798del on transcript NM_001195263.2 (MANE Select); coding-DNA positions 2796 to 2798, 3 bases deleted (TCG; older notation c.2796_2798delTCG).
Protein change: p.Arg933del; deletes arginine 933.
Molecular consequence: inframe deletion.
Genome position (GRCh38, 1-based): chr10:101,008,771-101,008,773, CGA deleted on the plus strand (TCG on the coding strand, the reverse complement: PDZD7 is on the minus strand); deleting any 3 consecutive bases within chr10:101,008,771-101,008,775 gives the same sequence; the c. name uses the placement nearest the transcript's 3' end. VCF-style (leftmost placement, unchanged base first): chr10-101008770-CCGA-C. GRCh37 (hg19) VCF-style: chr10-102768527-CCGA-C.
Other names: c.2796_2798del (NM_001195263.1); c.2796_2798delTCG (NM_001195263.1); short protein forms R933del.
Identifiers: ClinVar variation 1396533 (VCV001396533.16), dbSNP rs770336804, ClinGen allele CA5653945.

ClinVar aggregate classification (germline): Conflicting classifications of pathogenicity. Review status: criteria provided, conflicting classifications (1 of 4 stars). 6 submissions from 6 submitters: Pathogenic (2); Likely pathogenic (1); Uncertain significance (2); Likely benign (1). Last evaluated 2026-10-07.

Conditions:
PDZD7-related disorder. Also called: PDZD7-related condition; PDZD7-related disorders.
Hearing loss, autosomal recessive 57. Also called: DEAFNESS, AUTOSOMAL RECESSIVE 57. Identifiers: MedGen C4693893, MONDO:0033201, OMIM 618003.

Submissions (6):

GeneDx
Classification: Pathogenic. Last evaluated: 2026-10-07. Review status: criteria provided, single submitter. Criteria: GeneDx Variant Classification Process June 2021. Collection method: clinical testing. Allele origin: germline.
Comment: In-frame deletion of 1 amino acids in a non-repeat region; Not observed at significant frequency in large population cohorts (gnomAD); In silico analysis supports a deleterious effect on protein structure/function; Has not been previously published as pathogenic or benign to our knowledge

PreventionGenetics, part of Exact Sciences
Classification: Uncertain significance for PDZD7-related condition. Last evaluated: 2026-07-29. Review status: criteria provided, single submitter. Criteria: ACMG Guidelines, 2015. Collection method: clinical testing. Allele origin: germline.
Comment: The PDZD7 c.2796_2798delTCG variant is predicted to result in an in-frame deletion (p.Arg933del). To our knowledge, this variant has not been reported in the literature. A single submitter to ClinVar observed this variant in individuals with deafness and reports segregation with disease in related individuals. This variant is assessed in ClinVar as uncertain or likely pathogenic (Variation ID: 1396533). Additionally, at PreventionGenetics this variant has been observed in the homozygous state in four patients from three families undergoing genetic testing for hearing loss (internal data). Although we suspect that this variant may be pathogenic, at this time, the clinical significance of this variant is uncertain due to the absence of conclusive functional and genetic evidence.

Victorian Clinical Genetics Services, Murdoch Childrens Research Institute
Classification: Likely pathogenic for Hearing loss, autosomal recessive 57. Last evaluated: 2026-03-25. Review status: criteria provided, single submitter. Criteria: ACMG Guidelines, 2015. Collection method: clinical testing. Allele origin: germline. Affected: yes.
Comment: This variant is classified as Likely pathogenic. Evidence in support of pathogenic classification: In-frame insertion/deletion in a non-repetitive region that has low conservation; Variant is present in gnomAD <0.01 for a recessive condition (v4: 19 heterozygote(s), 1 homozygote(s)); This variant has moderate previous evidence of pathogenicity in unrelated individuals. This variant has been reported as likely pathogenic in ClinVar in one individual with limited clinical information available (GeneDx). This variant has been reported as likely pathogenic in a homozygous state in two individuals with prelingual non-syndromic hearing loss (Invitae). It has also been identified in a compound heterozygous state in another individual with early-onset hearing loss, however, the variant in trans is a VUS (c.2111C>T; p.Ala704Val) (Invitae). Additional information: This variant is heterozygous; This gene is associated with autosomal recessive disease; Segregation evidence for this variant is inconclusive. An affected sibling was also homozygous for this variant (Invitae); No published functional evidence has been identified for this variant; No comparable variants have previous evidence for pathogenicity; Variant is located in the PDZ3 domain (PMID:35695292); Loss of function is a known mechanism of disease in this gene and is associated with deafness, autosomal recessive 57(MIM#618003).

Labcorp Genetics (formerly Invitae), Labcorp
Classification: Pathogenic. Last evaluated: 2026-01-06. Review status: criteria provided, single submitter. Criteria: Invitae Variant Classification Sherloc (09022015). Collection method: clinical testing. Allele origin: germline.
Comment: This variant, c.2796_2798del, results in the deletion of 1 amino acid(s) of the PDZD7 protein (p.Arg933del), but otherwise preserves the integrity of the reading frame. This variant is present in population databases (rs770336804, gnomAD 0.003%). This variant has been observed in individuals with deafness (internal data). It has also been observed to segregate with disease in related individuals. ClinVar contains an entry for this variant (Variation ID: 1396533). For these reasons, this variant has been classified as Pathogenic.

Blueprint Genetics
Classification: Likely benign. Last evaluated: 2024-09-09. Review status: criteria provided, single submitter. Criteria: ACMG Guidelines, 2015. Collection method: clinical testing. Allele origin: germline.

Revvity Omics, Revvity
Classification: Uncertain significance. Last evaluated: 2022-08-01. Review status: criteria provided, single submitter. Criteria: ACMG Guidelines, 2015. Collection method: clinical testing. Allele origin: germline.

Literature cited by the submitters: PubMed 35695292 (cited by Victorian Clinical Genetics Services, Murdoch Childrens Research Institute).